The following is an entry in ClinVar:

ClinVar aggregate classification (germline): Conflicting classifications of pathogenicity. Review status: criteria provided, conflicting classifications (1 of 4 stars). 2 submissions from 2 submitters: Uncertain significance (1); Likely benign (1). Last evaluated 2025-04-16.

Conditions:
Charcot-Marie-Tooth disease axonal type 2O. Also called: CHARCOT-MARIE-TOOTH NEUROPATHY, AXONAL, TYPE 2O; CHARCOT-MARIE-TOOTH DISEASE, AXONAL, AUTOSOMAL DOMINANT, TYPE 2O; Charcot-Marie-Tooth Neuropathy Type 2O; Charcot-Marie-Tooth disease, axonal, type 20. Identifiers: Orphanet 284232, MedGen C3280220, MONDO:0013644, OMIM 614228.

Allele frequency attached by ClinVar (database versions not stated): ExAC 0.00001.
gnomAD v4.1: 1 of 1,614,198 alleles (0.000062%); highest among the groups gnomAD compares: South Asian, 0.0011%; no homozygotes.

Submissions (2):

GeneDx
Classification: Uncertain significance. Last evaluated: 2025-04-16. Review status: criteria provided, single submitter. Criteria: GeneDx Variant Classification Process June 2021. Collection method: clinical testing. Allele origin: germline. Affected: yes.
Comment: In silico analysis indicates that this missense variant does not alter protein structure/function; Has not been previously published as pathogenic or benign to our knowledge; This variant is associated with the following publications: (PMID: 25512093, 25609763, 26100331)

Labcorp Genetics (formerly Invitae), Labcorp
Classification: Likely benign for Charcot-Marie-Tooth disease axonal type 2O. Last evaluated: 2023-07-22. Review status: criteria provided, single submitter. Criteria: Invitae Variant Classification Sherloc (09022015). Collection method: clinical testing. Allele origin: germline.

NM_001376.5(DYNC1H1):c.10666G>C (p.Ala3556Pro)

Gene: DYNC1H1 (dynein cytoplasmic 1 heavy chain 1; plus strand). Cytogenetic location: 14q32.31.
Variant type: single nucleotide variant.
Coding change: c.10666G>C on transcript NM_001376.5 (MANE Select); coding-DNA position 10666, G replaced by C.
Protein change: p.Ala3556Pro; replaces alanine 3556 with proline.
Molecular consequence: missense variant.
Genome position (GRCh38, 1-based): chr14:102,034,364, G>C. VCF-style: chr14-102034364-G-C. GRCh37 (hg19) VCF-style: chr14-102500701-G-C.
Other names: short protein forms A3556P.
Identifiers: ClinVar variation 2696859 (VCV002696859.5), dbSNP rs752337704, ClinGen allele CA7353458.